The following is an entry in ClinVar:

ClinVar aggregate classification (germline): Uncertain significance (1 of 4 stars; one submission).

Conditions:
Fanconi anemia (FA). Also called: Fanconi's anemia. Identifiers: Orphanet 84, MedGen C0015625, MeSH D005199, MONDO:0019391.

Submission:

Labcorp Genetics (formerly Invitae), Labcorp
Classification: Uncertain significance for Fanconi anemia. Last evaluated: 2019-12-11. Review status: criteria provided, single submitter. Criteria: Invitae Variant Classification Sherloc (09022015). Collection method: clinical testing. Allele origin: germline.
Comment: Algorithms developed to predict the effect of missense changes on protein structure and function are either unavailable or do not agree on the potential impact of this missense change (SIFT: "Deleterious"; PolyPhen-2: "Benign"; Align-GVGD: "Class C0"). This variant has not been reported in the literature in individuals with FANCM-related conditions. This variant is not present in population databases (ExAC no frequency). This sequence change replaces lysine with methionine at codon 659 of the FANCM protein (p.Lys659Met). The lysine residue is moderately conserved and there is a moderate physicochemical difference between lysine and methionine. In summary, the available evidence is currently insufficient to determine the role of this variant in disease. Therefore, it has been classified as a Variant of Uncertain Significance.

NM_020937.4(FANCM):c.1976A>T (p.Lys659Met)

Gene: FANCM (FA complementation group M; plus strand). Cytogenetic location: 14q21.2.
Variant type: single nucleotide variant.
Coding change: c.1976A>T on transcript NM_020937.4 (MANE Select); coding-DNA position 1976, A replaced by T.
Protein change: p.Lys659Met; replaces lysine 659 with methionine.
Molecular consequence: missense variant.
Genome position (GRCh38, 1-based): chr14:45,167,137, A>T. VCF-style: chr14-45167137-A-T. GRCh37 (hg19) VCF-style: chr14-45636340-A-T.
Other names: c.1898A>T, p.Lys633Met (NM_001308133.2); c.1976A>T, p.Lys659Met (NM_001308134.2); short protein forms K633M, K659M.
Identifiers: ClinVar variation 861223 (VCV000861223.9), dbSNP rs1888039727, ClinGen allele CA389595177.